The following is an entry in ClinVar:

NM_001029896.2(WDR45):c.561_571del (p.Ile188fs)

Gene: WDR45 (WD repeat domain 45; minus strand). Cytogenetic location: Xp11.23.
Variant type: Deletion.
Coding change: c.561_571del on transcript NM_001029896.2 (MANE Select); coding-DNA positions 561 to 571, 11 bases deleted (GATCAATGCAC).
Protein change: p.Ile188fs; shifts the reading frame from isoleucine 188.
Molecular consequence: frameshift variant.
Genome position (GRCh38, 1-based): chrX:49,075,699-49,075,709, GTGCATTGATC deleted on the plus strand (GATCAATGCAC on the coding strand, the reverse complement: WDR45 is on the minus strand); deleting any 11 consecutive bases within chrX:49,075,699-49,075,712 gives the same sequence; the c. name uses the placement nearest the transcript's 3' end. VCF-style (leftmost placement, unchanged base first): chrX-49075698-TGTGCATTGATC-T. GRCh37 (hg19) VCF-style: chrX-48933357-TGTGCATTGATC-T.
Other names: c.564_574del, p.Ile189fs (NM_007075.4); short protein forms I188fs, I189fs.
Identifiers: ClinVar variation 4539827 (VCV004539827.1).

ClinVar aggregate classification (germline): Likely pathogenic (1 of 4 stars; one submission).

Conditions:
Neurodegeneration with brain iron accumulation 5 (NBIA5). Also called: Beta-propeller protein-associated neurodegeneration; STATIC ENCEPHALOPATHY OF CHILDHOOD WITH NEURODEGENERATION IN ADULTHOOD. Identifiers: Orphanet 329284, MedGen C3550973, MONDO:0010476, OMIM 300894.

Submission:

Medical Genetics and Prenatal Diagnosis Center, Guangxi Academy of Medical Sciences and the People’s Hospital of Guangxi Zhuang Autonomous Region
Classification: Likely pathogenic for Neurodegeneration with brain iron accumulation 5. Review status: criteria provided, single submitter. Criteria: ACMG Guidelines, 2015. Collection method: clinical testing. Allele origin: de novo. Affected: yes.
Comment: NM_001029896.2(WDR45):c.561_571del is a frameshift deletion predicted to cause premature termination of protein synthesis. This variant is a frameshift mutation that is expected to result in a truncated protein product and predicted loss of normal gene function (PVS1); this variant is not reported in the Genome Aggregation Database (gnomAD) (PM2_Supporting). In summary, based on the ACMG Guidelines, 2015 (PMID: 25741868), the above evidence supports classifying this variant as Likely Pathogenic for Neurodegeneration with brain iron accumulation 5, with the classification criteria being PVS1 and PM2_Supporting.